The following is an entry in ClinVar:

NM_198578.4(LRRK2):c.3752A>G (p.His1251Arg)

Gene: LRRK2 (leucine rich repeat kinase 2; plus strand). Cytogenetic location: 12q12.
Variant type: single nucleotide variant.
Coding change: c.3752A>G on transcript NM_198578.4 (MANE Select); coding-DNA position 3752, A replaced by G.
Protein change: p.His1251Arg; replaces histidine 1251 with arginine.
Molecular consequence: missense variant.
Genome position (GRCh38, 1-based): chr12:40,304,109, A>G. VCF-style: chr12-40304109-A-G. GRCh37 (hg19) VCF-style: chr12-40697911-A-G.
Other names: short protein forms H1251R.
Identifiers: ClinVar variation 2453070 (VCV002453070.2), dbSNP rs2499782407, ClinGen allele CA384416879.

ClinVar aggregate classification (germline): Uncertain significance (1 of 4 stars; one submission).

Conditions:
Inborn genetic diseases. Identifiers: MedGen C0950123, MeSH D030342.

Allele frequency attached by ClinVar (database versions not stated): gnomAD exomes below 0.00001.
gnomAD v4.1: 1 of 1,613,270 alleles (0.000062%); highest among the groups gnomAD compares: South Asian, 0.0011%; no homozygotes.

Submission:

Ambry Genetics
Classification: Uncertain significance for Inborn genetic diseases. Last evaluated: 2022-12-25. Review status: criteria provided, single submitter. Criteria: Ambry Variant Classification Scheme 2023. Collection method: clinical testing. Allele origin: germline.
Comment: The p.H1251R variant (also known as c.3752A>G), located in coding exon 27 of the LRRK2 gene, results from an A to G substitution at nucleotide position 3752. The histidine at codon 1251 is replaced by arginine, an amino acid with highly similar properties. This amino acid position is conserved. In addition, the in silico prediction for this alteration is inconclusive. Since supporting evidence is limited at this time, the clinical significance of this alteration remains unclear.